The following is an entry in ClinVar:

ClinVar aggregate classification (germline): Pathogenic (1 of 4 stars; one submission).

Submission:

GeneDx
Classification: Pathogenic. Last evaluated: 2022-10-11. Review status: criteria provided, single submitter. Criteria: GeneDx Variant Classification Process June 2021. Collection method: clinical testing. Allele origin: germline. Affected: yes.
Comment: Frameshift variant predicted to result in protein truncation or nonsense mediated decay in a gene for which loss of function is a known mechanism of disease; Not observed at significant frequency in large population cohorts (gnomAD); This variant is associated with the following publications: (PMID: 33077954)

NM_030665.4(RAI1):c.5265dup (p.Arg1756fs)

Gene: RAI1 (retinoic acid induced 1; plus strand). Cytogenetic location: 17p11.2.
Variant type: Duplication.
Coding change: c.5265dup on transcript NM_030665.4 (MANE Select); coding-DNA position 5265, one base duplicated (C; older notation c.5265dupC).
Protein change: p.Arg1756fs; shifts the reading frame from arginine 1756.
Molecular consequence: frameshift variant.
Genome position (GRCh38, 1-based): chr17:17,798,213, C duplicated; the last of 6 consecutive C bases (chr17:17,798,208-17,798,213); duplicating any one gives the same sequence. VCF-style (leftmost placement, unchanged base first): chr17-17798207-G-GC. GRCh37 (hg19) VCF-style: chr17-17701521-G-GC.
Other names: short protein forms R1756fs.
Identifiers: ClinVar variation 2499315 (VCV002499315.1), dbSNP rs867108845, ClinGen allele CA2580092620.